The following is an entry in ClinVar:

NM_015295.3(SMCHD1):c.3583_3584delinsCA (p.Ser1195Gln)

Gene: SMCHD1 (structural maintenance of chromosomes flexible hinge domain containing 1; plus strand). Cytogenetic location: 18p11.32.
Variant type: Indel.
Coding change: c.3583_3584delinsCA on transcript NM_015295.3 (MANE Select); coding-DNA positions 3583 to 3584, TC replaced by CA.
Protein change: p.Ser1195Gln; replaces serine 1195 with glutamine.
Molecular consequence: missense variant.
Genome position (GRCh38, 1-based): chr18:2,740,771-2,740,772, TC replaced by CA. VCF-style: chr18-2740771-TC-CA. GRCh37 (hg19) VCF-style: chr18-2740769-TC-CA.
Other names: short protein forms S1195Q.
Identifiers: ClinVar variation 1307163 (VCV001307163.3), dbSNP rs2143547958, ClinGen allele CA2573054636.

ClinVar aggregate classification (germline): Uncertain significance. Review status: criteria provided, multiple submitters, no conflicts (2 of 4 stars). 2 submissions from 2 submitters: Uncertain significance (2). Last evaluated 2025-11-11.

Conditions:
Facioscapulohumeral muscular dystrophy 2 (FSHD2). Also called: MUSCULAR DYSTROPHY, FACIOSCAPULOHUMERAL, TYPE 1B; FACIOSCAPULOHUMERAL MUSCULAR DYSTROPHY 2, DIGENIC; FSHD2, DIGENIC. Identifiers: Orphanet 269, MedGen C1834671, MONDO:0008031, OMIM 158901.

Submissions (2):

Labcorp Genetics (formerly Invitae), Labcorp
Classification: Uncertain significance for Facioscapulohumeral muscular dystrophy 2. Last evaluated: 2025-11-11. Review status: criteria provided, single submitter. Criteria: Invitae Variant Classification Sherloc (09022015). Collection method: clinical testing. Allele origin: germline.
Comment: This sequence change replaces serine, which is neutral and polar, with glutamine, which is neutral and polar, at codon 1195 of the SMCHD1 protein (p.Ser1195Gln). Information on the frequency of this variant in the gnomAD database is not available, as this variant may be reported differently in the database. This variant has not been reported in the literature in individuals affected with SMCHD1-related conditions. ClinVar contains an entry for this variant (Variation ID: 1307163). An algorithm developed to predict the effect of missense changes on protein structure and function (PolyPhen-2) suggests that this variant is likely to be tolerated. In summary, the available evidence is currently insufficient to determine the role of this variant in disease. Therefore, it has been classified as a Variant of Uncertain Significance.

GeneDx
Classification: Uncertain significance. Last evaluated: 2019-07-10. Review status: criteria provided, single submitter. Criteria: GeneDx Variant Classification Process June 2021. Collection method: clinical testing. Allele origin: germline. Affected: yes.
Comment: Not observed at a significant frequency in large population cohorts (Lek et al., 2016); In silico analysis, which includes protein predictors and evolutionary conservation, supports that this variant does not alter protein structure/function; Has not been previously published as pathogenic or benign to our knowledge